The following is an entry in ClinVar:

ClinVar aggregate classification (germline): Uncertain significance. Review status: criteria provided, multiple submitters, no conflicts (2 of 4 stars). 2 submissions from 2 submitters: Uncertain significance (2). Last evaluated 2025-10-13.

Conditions:
Leukoencephalopathy, progressive, with ovarian failure (LKENP). Identifiers: Orphanet 99853, MedGen C4014588, MONDO:0014387, OMIM 615889.
Combined oxidative phosphorylation defect type 8. Also called: CARDIOMYOPATHY, HYPERTROPHIC MITOCHONDRIAL, FATAL INFANTILE. Identifiers: Orphanet 319504, MedGen C4518839, MONDO:0013570, OMIM 614096.

Allele frequency attached by ClinVar (database versions not stated): gnomAD 0.00001; TOPMed 0.00003.
gnomAD v4.1: 58 of 1,613,946 alleles (0.0036%); highest among the groups gnomAD compares: East Asian, 0.038%; no homozygotes.

Submissions (2):

Labcorp Genetics (formerly Invitae), Labcorp
Classification: Uncertain significance. Last evaluated: 2025-10-13. Review status: criteria provided, single submitter. Criteria: Invitae Variant Classification Sherloc (09022015). Collection method: clinical testing. Allele origin: germline.
Comment: This sequence change replaces arginine, which is basic and polar, with histidine, which is basic and polar, at codon 355 of the AARS2 protein (p.Arg355His). This variant is present in population databases (rs768992661, gnomAD 0.09%). This variant has not been reported in the literature in individuals affected with AARS2-related conditions. ClinVar contains an entry for this variant (Variation ID: 1485070). Invitae Evidence Modeling of protein sequence and biophysical properties (such as structural, functional, and spatial information, amino acid conservation, physicochemical variation, residue mobility, and thermodynamic stability) indicates that this missense variant is expected to disrupt AARS2 protein function with a positive predictive value of 80%. In summary, the available evidence is currently insufficient to determine the role of this variant in disease. Therefore, it has been classified as a Variant of Uncertain Significance.

Juno Genomics, Hangzhou Juno Genomics, Inc
Classification: Uncertain significance for Combined oxidative phosphorylation defect type 8; Leukoencephalopathy, progressive, with ovarian failure. Review status: criteria provided, single submitter. Criteria: ACMG Guidelines, 2015. Collection method: clinical testing. Allele origin: germline.
Comment: Absent from controls (or at extremely low frequency if recessive) in Genome Aggregation Database.;Multiple lines of computational evidence support a deleterious effect on the gene or gene product.

NM_020745.4(AARS2):c.1064G>A (p.Arg355His)

Gene: AARS2 (alanyl-tRNA synthetase 2, mitochondrial; minus strand). Cytogenetic location: 6p21.1.
Variant type: single nucleotide variant.
Coding change: c.1064G>A on transcript NM_020745.4 (MANE Select); coding-DNA position 1064, G replaced by A.
Protein change: p.Arg355His; replaces arginine 355 with histidine.
Molecular consequence: missense variant.
Genome position (GRCh38, 1-based): chr6:44,307,008, C>T on the plus strand (G>A on the coding strand, the complement: AARS2 is on the minus strand). VCF-style: chr6-44307008-C-T. GRCh37 (hg19) VCF-style: chr6-44274745-C-T.
Other names: short protein forms R355H.
Identifiers: ClinVar variation 1485070 (VCV001485070.9), dbSNP rs768992661, ClinGen allele CA3834450.
Genomic context (GRCh38, chr6:44,307,008, plus strand): 5'-AGGCTGCCTAGGAAGCCAGGTGGTGCCTTTAAGATCTCCATGGAGAAACGCACAGCTCGA[C>T]GCAGGATCCGACGAAGAACCAGCCTAAAGGGGTTCAGAGCCCAGACATGAATCCCCAGCG-3'
Protein context (NP_065796.2, residues 345-365): GPPLVLRRIL[Arg355His]RAVRFSMEIL